The following is an entry in ClinVar:

ClinVar aggregate classification (germline): Uncertain significance (1 of 4 stars; one submission).

Conditions:
Severe combined immunodeficiency due to IKK2 deficiency. Also called: Immunodeficiency 15; IMMUNODEFICIENCY 15B. Identifiers: Orphanet 397787, MedGen C4747743, MONDO:0014267, OMIM 615592.

Submission:

Labcorp Genetics (formerly Invitae), Labcorp
Classification: Uncertain significance for Severe combined immunodeficiency due to IKK2 deficiency. Last evaluated: 2022-03-16. Review status: criteria provided, single submitter. Criteria: Invitae Variant Classification Sherloc (09022015). Collection method: clinical testing. Allele origin: germline.
Comment: This sequence change results in a frameshift in the IKBKB gene (p.Val727Glufs*38). While this is not anticipated to result in nonsense mediated decay, it is expected to disrupt the last 30 amino acid(s) of the IKBKB protein and extend the protein by 7 additional amino acid residues. This variant is not present in population databases (gnomAD no frequency). This variant has not been reported in the literature in individuals affected with IKBKB-related conditions. In summary, the available evidence is currently insufficient to determine the role of this variant in disease. Therefore, it has been classified as a Variant of Uncertain Significance.

NM_001556.3(IKBKB):c.2180_2181del (p.Val727fs)

Gene: IKBKB (inhibitor of nuclear factor kappa B kinase subunit beta; plus strand). Cytogenetic location: 8p11.21.
Variant type: Microsatellite.
Coding change: c.2180_2181del on transcript NM_001556.3 (MANE Select); coding-DNA positions 2180 to 2181, 2 bases deleted (TG; older notation c.2180_2181delTG).
Protein change: p.Val727fs; shifts the reading frame from valine 727.
Molecular consequence: frameshift variant. On other transcripts: non-coding transcript variant (3).
Genome position (GRCh38, 1-based): chr8:42,329,189-42,329,190, TG deleted; deleting any 2 consecutive bases within chr8:42,329,187-42,329,190 gives the same sequence; the c. name uses the placement nearest the transcript's 3' end. VCF-style (leftmost placement, unchanged base first): chr8-42329186-CTG-C. GRCh37 (hg19) VCF-style: chr8-42186704-CTG-C.
Other names: c.1988_1989del, p.Val663fs (NM_001190720.3); c.2003_2004del, p.Val668fs (NM_001242778.2); short protein forms V663fs, V668fs, V727fs.
Identifiers: ClinVar variation 2197132 (VCV002197132.1), dbSNP rs2487810717, ClinGen allele CA460557612.